The following is an entry in ClinVar:

NM_000264.5(PTCH1):c.930C>A (p.Asn310Lys)

Gene: PTCH1 (patched 1; minus strand). Cytogenetic location: 9q22.32.
Variant type: single nucleotide variant.
Coding change: c.930C>A on transcript NM_000264.5 (MANE Select); coding-DNA position 930, C replaced by A.
Protein change: p.Asn310Lys; replaces asparagine 310 with lysine.
Molecular consequence: missense variant. On other transcripts: non-coding transcript variant (1).
Genome position (GRCh38, 1-based): chr9:95,480,405, G>T on the plus strand (C>A on the coding strand, the complement: PTCH1 is on the minus strand). VCF-style: chr9-95480405-G-T. GRCh37 (hg19) VCF-style: chr9-98242687-G-T.
Other names: c.732C>A, p.Asn244Lys (NM_001083602.3); c.927C>A, p.Asn309Lys (NM_001083603.3); c.477C>A, p.Asn159Lys (NM_001083604.3, NM_001083605.3, NM_001083606.3 and 1 more transcripts); c.930C>A, p.Asn310Lys (NM_001354918.2); short protein forms N159K, N244K, N309K, N310K.
Identifiers: ClinVar variation 1713796 (VCV001713796.7), dbSNP rs768166430, ClinGen allele CA374113653.
Genomic context (GRCh38, chr9:95,480,405, plus strand): 5'-GTTTTGCTCTCCACCCTTCTGAGAGCGCTCACTGCTGGTACTCACTTTGGTTGAATTTTT[G>T]TTGGGGGCTGTGGCGGGGCAGTCTGGATCGGCCGGATTGAGGCAGGGGCGGTCCATGTAA-3'
Protein context (NP_000255.2, residues 300-320): ADPDCPATAP[Asn310Lys]KNSTKPLDMA

ClinVar aggregate classification (germline): Uncertain significance. Review status: criteria provided, multiple submitters, no conflicts (2 of 4 stars). 2 submissions from 2 submitters: Uncertain significance (2). Last evaluated 2026-07-07.

Conditions:
Hereditary cancer-predisposing syndrome. Also called: Tumor predisposition; Hereditary neoplastic syndrome; Neoplastic Syndromes, Hereditary; Hereditary Cancer Syndrome. Identifiers: Orphanet 140162, MedGen C0027672, MeSH D009386, MONDO:0015356.
Gorlin syndrome. Also called: Basal cell nevus syndrome; Nevoid Basal Cell Carcinoma Syndrome. Identifiers: Orphanet 377, MedGen C0004779, MONDO:0007187.

Submissions (2):

Ambry Genetics
Classification: Uncertain significance for Hereditary cancer-predisposing syndrome. Last evaluated: 2026-07-07. Review status: criteria provided, single submitter. Criteria: Ambry Variant Classification Scheme 2023. Collection method: clinical testing. Allele origin: germline.
Comment: The p.N244K variant (also known as c.732C>A), located in coding exon 6 of the PTCH1 gene, results from a C to A substitution at nucleotide position 732. The asparagine at codon 244 is replaced by lysine, an amino acid with similar properties. This amino acid position is conserved. In addition, the in silico prediction for this alteration is inconclusive. Based on the available evidence, the clinical significance of this variant remains unclear.

Labcorp Genetics (formerly Invitae), Labcorp
Classification: Uncertain significance for Gorlin syndrome. Last evaluated: 2025-04-23. Review status: criteria provided, single submitter. Criteria: Invitae Variant Classification Sherloc (09022015). Collection method: clinical testing. Allele origin: germline.
Comment: This sequence change replaces asparagine, which is neutral and polar, with lysine, which is basic and polar, at codon 310 of the PTCH1 protein (p.Asn310Lys). This variant is not present in population databases (gnomAD no frequency). This variant has not been reported in the literature in individuals affected with PTCH1-related conditions. ClinVar contains an entry for this variant (Variation ID: 1713796). Invitae Evidence Modeling of protein sequence and biophysical properties (such as structural, functional, and spatial information, amino acid conservation, physicochemical variation, residue mobility, and thermodynamic stability) has been performed for this missense variant. However, the output from this modeling did not meet the statistical confidence thresholds required to predict the impact of this variant on PTCH1 protein function. In summary, the available evidence is currently insufficient to determine the role of this variant in disease. Therefore, it has been classified as a Variant of Uncertain Significance.